The following is an entry in ClinVar:

ClinVar aggregate classification (germline): Uncertain significance (1 of 4 stars; one submission).

Conditions:
Inborn genetic diseases. Identifiers: MedGen C0950123, MeSH D030342.

gnomAD v4.1: 2 of 1,613,938 alleles (0.00012%); highest among the groups gnomAD compares: Non-Finnish European, 0.00017%; no homozygotes.

Submission:

Ambry Genetics
Classification: Uncertain significance for Inborn genetic diseases. Last evaluated: 2025-12-17. Review status: criteria provided, single submitter. Criteria: Ambry Variant Classification Scheme 2023. Collection method: clinical testing. Allele origin: germline.
Comment: The p.G774R variant (also known as c.2320G>A), located in coding exon 1 of the SAMD9 gene, results from a G to A substitution at nucleotide position 2320. The glycine at codon 774 is replaced by arginine, an amino acid with dissimilar properties. This amino acid position is conserved. In addition, the in silico prediction for this alteration is inconclusive. Based on the available evidence, the clinical significance of this variant remains unclear.

NM_017654.4(SAMD9):c.2320G>A (p.Gly774Arg)

Gene: SAMD9 (sterile alpha motif domain containing 9; minus strand). Cytogenetic location: 7q21.2.
Variant type: single nucleotide variant.
Coding change: c.2320G>A on transcript NM_017654.4 (MANE Select); coding-DNA position 2320, G replaced by A.
Protein change: p.Gly774Arg; replaces glycine 774 with arginine.
Molecular consequence: missense variant.
Genome position (GRCh38, 1-based): chr7:93,103,778, C>T on the plus strand (G>A on the coding strand, the complement: SAMD9 is on the minus strand). VCF-style: chr7-93103778-C-T. GRCh37 (hg19) VCF-style: chr7-92733091-C-T.
Other names: c.2320G>A, p.Gly774Arg (NM_001193307.2); short protein forms G774R.
Identifiers: ClinVar variation 4843107 (VCV004843107.1).